The following is an entry in ClinVar:

ClinVar aggregate classification (germline): Uncertain significance (1 of 4 stars; one submission).

Allele frequency attached by ClinVar (database versions not stated): gnomAD 0.00001; gnomAD exomes 0.00001; ExAC 0.00003; TOPMed 0.00003.
gnomAD v4.1: 20 of 1,614,016 alleles (0.0012%); highest among the groups gnomAD compares: Admixed American, 0.022%; no homozygotes.

Submission:

Labcorp Genetics (formerly Invitae), Labcorp
Classification: Uncertain significance. Last evaluated: 2022-11-08. Review status: criteria provided, single submitter. Criteria: Invitae Variant Classification Sherloc (09022015). Collection method: clinical testing. Allele origin: germline.
Comment: In summary, the available evidence is currently insufficient to determine the role of this variant in disease. Therefore, it has been classified as a Variant of Uncertain Significance. Algorithms developed to predict the effect of missense changes on protein structure and function are either unavailable or do not agree on the potential impact of this missense change (SIFT: "Deleterious"; PolyPhen-2: "Benign"; Align-GVGD: "Class C0"). This variant has not been reported in the literature in individuals affected with FAT2-related conditions. This variant is present in population databases (rs781585839, gnomAD 0.02%). This sequence change replaces glutamic acid, which is acidic and polar, with glycine, which is neutral and non-polar, at codon 4332 of the FAT2 protein (p.Glu4332Gly).

NM_001447.3(FAT2):c.12995A>G (p.Glu4332Gly)

Genes: FAT2 (FAT atypical cadherin 2; minus strand), SLC36A1 (solute carrier family 36 member 1; plus strand). Cytogenetic location: 5q33.1.
Variant type: single nucleotide variant.
Coding change: c.12995A>G on transcript NM_001447.3 (MANE Select); coding-DNA position 12995, A replaced by G.
Protein change: p.Glu4332Gly; replaces glutamic acid 4332 with glycine.
Molecular consequence: missense variant.
Genome position (GRCh38, 1-based): chr5:151,505,620, T>C on the plus strand (A>G on the coding strand, the complement: FAT2 is on the minus strand). VCF-style: chr5-151505620-T-C. GRCh37 (hg19) VCF-style: chr5-150885181-T-C.
Other names: short protein forms E4332G.
Identifiers: ClinVar variation 1910862 (VCV001910862.5), dbSNP rs781585839, ClinGen allele CA3519624.